The following is an entry in ClinVar:

ClinVar aggregate classification (germline): Likely benign (0 of 4 stars; one submission).

Conditions:
SAMD14-related disorder. Also called: SAMD14-related condition.

Allele frequency attached by ClinVar (database versions not stated): gnomAD exomes 0.00001; ExAC 0.00003; TOPMed 0.00007; ESP Exome Variant Server 0.00008; gnomAD 0.00009.
gnomAD v4.1: 21 of 1,612,006 alleles (0.0013%); highest among the groups gnomAD compares: African/African-American, 0.024%; no homozygotes.

Submission:

PreventionGenetics, part of Exact Sciences
Classification: Likely benign for SAMD14-related condition. Last evaluated: 2022-11-08. Review status: no assertion criteria provided. Collection method: clinical testing. Allele origin: germline.
Comment: This variant is classified as likely benign based on ACMG/AMP sequence variant interpretation guidelines (Richards et al. 2015 PMID: 25741868, with internal and published modifications).

NM_001257359.2(SAMD14):c.1147T>C (p.Leu383=)

Gene: SAMD14 (sterile alpha motif domain containing 14; minus strand). Cytogenetic location: 17q21.33.
Variant type: single nucleotide variant.
Coding change: c.1147T>C on transcript NM_001257359.2 (MANE Select); coding-DNA position 1147, T replaced by C.
Protein change: p.Leu383=; no amino-acid change (leucine 383 retained).
Molecular consequence: synonymous variant.
Genome position (GRCh38, 1-based): chr17:50,113,000, A>G on the plus strand (T>C on the coding strand, the complement: SAMD14 is on the minus strand). VCF-style: chr17-50113000-A-G. GRCh37 (hg19) VCF-style: chr17-48190364-A-G.
Other names: c.1231T>C, p.Leu411= (NM_174920.4).
Identifiers: ClinVar variation 3029346 (VCV003029346.2), dbSNP rs371076386, ClinGen allele CA8642722.
Genomic context (GRCh38, chr17:50,113,000, plus strand): 5'-GCCGCGCAGCCTTCTCCTGGGCCTTGCGCTCCTTCTCGGCAGCTGCTGCCATCTCCTTCA[A>G]CTTGCGCTTCACCAGTGCCCGGTCATGAGAGTTGCTGAGCCCCAGGCTCTGGGGAGGAGT-3'
Protein context (NP_001244288.1, residues 373-393): SHDRALVKRK[Leu383=]KEMAAAAEKE